The following is an entry in ClinVar:

NM_013254.4(TBK1):c.1537G>A (p.Gly513Arg)

Gene: TBK1 (TANK binding kinase 1; plus strand). Cytogenetic location: 12q14.2.
Variant type: single nucleotide variant.
Coding change: c.1537G>A on transcript NM_013254.4 (MANE Select); coding-DNA position 1537, G replaced by A.
Protein change: p.Gly513Arg; replaces glycine 513 with arginine.
Molecular consequence: missense variant.
Genome position (GRCh38, 1-based): chr12:64,495,498, G>A. VCF-style: chr12-64495498-G-A. GRCh37 (hg19) VCF-style: chr12-64889278-G-A.
Other names: short protein forms G513R.
Identifiers: ClinVar variation 3624368 (VCV003624368.2).
Genomic context (GRCh38, chr12:64,495,498, plus strand): 5'-TTCTGGCTTTTGGCAATCTGGATCTGAACCTTTGGTTTTATTTAGCTTTCCAGTTCTCAG[G>A]GAACAATAGAAACCAGTCTTCAGGATATCGACAGCAGATTATCTCCAGGTGGATCACTGG-3'
Protein context (NP_037386.1, residues 503-523): TKLLRLSSSQ[Gly513Arg]TIETSLQDID

ClinVar aggregate classification (germline): Uncertain significance (1 of 4 stars; one submission).

Conditions:
Frontotemporal dementia and/or amyotrophic lateral sclerosis 4. Also called: FTDALS4. Identifiers: Orphanet 275872, MedGen C4225325, MONDO:0014641, OMIM 616439.

gnomAD v4.1: 1 of 1,613,622 alleles (0.000062%); highest among the groups gnomAD compares: Admixed American, 0.0017%; no homozygotes.

Submission:

Labcorp Genetics (formerly Invitae), Labcorp
Classification: Uncertain significance for Frontotemporal dementia and/or amyotrophic lateral sclerosis 4. Last evaluated: 2024-10-03. Review status: criteria provided, single submitter. Criteria: Invitae Variant Classification Sherloc (09022015). Collection method: clinical testing. Allele origin: germline.
Comment: This sequence change replaces glycine, which is neutral and non-polar, with arginine, which is basic and polar, at codon 513 of the TBK1 protein (p.Gly513Arg). This variant is not present in population databases (gnomAD no frequency). This variant has not been reported in the literature in individuals affected with TBK1-related conditions. Invitae Evidence Modeling of protein sequence and biophysical properties (such as structural, functional, and spatial information, amino acid conservation, physicochemical variation, residue mobility, and thermodynamic stability) indicates that this missense variant is not expected to disrupt TBK1 protein function with a negative predictive value of 95%. In summary, the available evidence is currently insufficient to determine the role of this variant in disease. Therefore, it has been classified as a Variant of Uncertain Significance.